The following is an entry in ClinVar:

NM_016562.4(TLR7):c.1127G>A (p.Arg376Gln)

Gene: TLR7 (toll like receptor 7; plus strand). Cytogenetic location: Xp22.2.
Variant type: single nucleotide variant.
Coding change: c.1127G>A on transcript NM_016562.4 (MANE Select); coding-DNA position 1127, G replaced by A.
Protein change: p.Arg376Gln; replaces arginine 376 with glutamine.
Molecular consequence: missense variant.
Genome position (GRCh38, 1-based): chrX:12,886,635, G>A. VCF-style: chrX-12886635-G-A. GRCh37 (hg19) VCF-style: chrX-12904754-G-A.
Other names: short protein forms R376Q.
Identifiers: ClinVar variation 2803678 (VCV002803678.3), dbSNP rs756706437, ClinGen allele CA10349996.

ClinVar aggregate classification (germline): Uncertain significance (1 of 4 stars; one submission).

Allele frequency attached by ClinVar (database versions not stated): ExAC 0.00001; gnomAD exomes 0.00001; TOPMed 0.00001.
gnomAD v4.1: 9 of 1,211,498 alleles (0.00074%); highest among the groups gnomAD compares: African/African-American, 0.0017%; no homozygotes.

Submission:

Labcorp Genetics (formerly Invitae), Labcorp
Classification: Uncertain significance. Last evaluated: 2023-10-28. Review status: criteria provided, single submitter. Criteria: Invitae Variant Classification Sherloc (09022015). Collection method: clinical testing. Allele origin: germline.
Comment: This sequence change replaces arginine, which is basic and polar, with glutamine, which is neutral and polar, at codon 376 of the TLR7 protein (p.Arg376Gln). This variant is present in population databases (rs756706437, gnomAD 0.001%). This variant has not been reported in the literature in individuals affected with TLR7-related conditions. An algorithm developed to predict the effect of missense changes on protein structure and function (PolyPhen-2) suggests that this variant is likely to be disruptive. In summary, the available evidence is currently insufficient to determine the role of this variant in disease. Therefore, it has been classified as a Variant of Uncertain Significance.